The following is an entry in ClinVar:

NM_004453.4(ETFDH):c.1586A>G (p.His529Arg)

Gene: ETFDH (electron transfer flavoprotein dehydrogenase; plus strand). Cytogenetic location: 4q32.1.
Variant type: single nucleotide variant.
Coding change: c.1586A>G on transcript NM_004453.4 (MANE Select); coding-DNA position 1586, A replaced by G.
Protein change: p.His529Arg; replaces histidine 529 with arginine.
Molecular consequence: missense variant.
Genome position (GRCh38, 1-based): chr4:158,706,746, A>G. VCF-style: chr4-158706746-A-G. GRCh37 (hg19) VCF-style: chr4-159627898-A-G.
Other names: c.1445A>G, p.His482Arg (NM_001281737.2); c.1403A>G, p.His468Arg (NM_001281738.1); c.1586A>G (NM_004453.3); short protein forms H468R, H482R, H529R.
Identifiers: ClinVar variation 1507657 (VCV001507657.29), dbSNP rs2126316486, ClinGen allele CA358564919.
Genomic context (GRCh38, chr4:158,706,746, plus strand): 5'-AACCCGATGGACAGATCAGTTTTGACCTCTTGTCATCTGTGGCTCTGAGTGGTACTAATC[A>G]TGAACATGACCAGCCGGCACACTTAACCTTAAGGGATGACAGTATACCTGTAAATAGAAA-3'
Protein context (NP_004444.2, residues 519-539): LSSVALSGTN[His529Arg]EHDQPAHLTL

ClinVar aggregate classification (germline): Likely pathogenic. Review status: criteria provided, multiple submitters, no conflicts (2 of 4 stars). 3 submissions from 3 submitters: Likely pathogenic (3). Last evaluated 2024-07-17.

Conditions:
Multiple acyl-CoA dehydrogenase deficiency (MADD). Also called: Glutaric aciduria, type 2; ETHYLMALONIC-ADIPICACIDURIA; GA II; Glutaric acidemia type II; GA 2; Glutaric Acidemia type 2. Identifiers: Orphanet 26791, MedGen C0268596, MONDO:0009282, OMIM 231680.
Glutaric acidemia type 2C.

Allele frequency attached by ClinVar (database versions not stated): gnomAD exomes below 0.00001.
gnomAD v4.1: 1 of 1,613,948 alleles (0.000062%); highest among the groups gnomAD compares: Non-Finnish European, 0.000085%; no homozygotes.

Submissions (3):

Natera, Inc.
Classification: Likely pathogenic for Glutaric acidemia type 2C. Last evaluated: 2024-07-17. Review status: criteria provided, single submitter. Criteria: Natera Variant Classification Schema (03/2026). Collection method: clinical testing. Allele origin: germline.
Comment: The c.1586A>G variant in ETFDH is a missense variant predicted to cause substitution of histidine to arginine at amino acid 529. This variant is rare in the general population with a frequency below the threshold expected for the associated phenotype(s). This variant has been observed in one or more individuals affected with the associated recessive disease, as either homozygous or compound heterozygous with a second variant (PMID: 30681493, 37305718). This variant has been identified in one or more affected individual with a phenotype highly consistent with the associated gene (PMID: 30681493). Computational prediction algorithms indicate this variant is likely to affect gene or protein function. Given the available evidence, this variant is classified as Likely Pathogenic.

CeGaT Center for Human Genetics Tuebingen
Classification: Likely pathogenic. Last evaluated: 2024-02-01. Review status: criteria provided, single submitter. Criteria: CeGaT Center For Human Genetics Tuebingen Variant Classification Criteria Version 2. Collection method: clinical testing. Allele origin: germline. Affected: yes. Observed: 1 variant allele.
Comment: ETFDH: PM2, PM3, PP3, PS3:Supporting

Labcorp Genetics (formerly Invitae), Labcorp
Classification: Likely pathogenic for Multiple acyl-CoA dehydrogenase deficiency. Last evaluated: 2023-02-01. Review status: criteria provided, single submitter. Criteria: Invitae Variant Classification Sherloc (09022015). Collection method: clinical testing. Allele origin: germline.
Comment: This sequence change replaces histidine, which is basic and polar, with arginine, which is basic and polar, at codon 529 of the ETFDH protein (p.His529Arg). This variant is not present in population databases (gnomAD no frequency). This missense change has been observed in individual(s) with multiple acyl-CoA dehydrogenase deficiency (PMID: 24522293). In at least one individual the data is consistent with being in trans (on the opposite chromosome) from a pathogenic variant. ClinVar contains an entry for this variant (Variation ID: 1507657). Advanced modeling of protein sequence and biophysical properties (such as structural, functional, and spatial information, amino acid conservation, physicochemical variation, residue mobility, and thermodynamic stability) performed at Invitae indicates that this missense variant is expected to disrupt ETFDH protein function. Studies have shown that this missense change alters ETFDH gene expression (PMID: 24522293). In summary, the currently available evidence indicates that the variant is pathogenic, but additional data are needed to prove that conclusively. Therefore, this variant has been classified as Likely Pathogenic.

Literature cited by the submitters: PubMed 30681493 (cited by Natera, Inc.); PubMed 37305718 (cited by Natera, Inc.); PubMed 24522293 (cited by Labcorp Genetics (formerly Invitae), Labcorp).